The following is an entry in ClinVar:

NM_183050.4(BCKDHB):c.127_131del (p.Glu43fs)

Gene: BCKDHB (branched chain keto acid dehydrogenase E1 subunit beta; plus strand). Cytogenetic location: 6q14.1.
Variant type: Deletion.
Coding change: c.127_131del on transcript NM_183050.4 (MANE Select); coding-DNA positions 127 to 131, 5 bases deleted (GAGGA; older notation c.127_131delGAGGA).
Protein change: p.Glu43fs; shifts the reading frame from glutamic acid 43.
Molecular consequence: frameshift variant. On other transcripts: 5 prime UTR variant (1), non-coding transcript variant (6), intron variant (1).
Genome position (GRCh38, 1-based): chr6:80,106,820-80,106,824, GAGGA deleted. VCF-style (leftmost placement, unchanged base first): chr6-80106819-CGAGGA-C. GRCh37 (hg19) VCF-style: chr6-80816536-CGAGGA-C.
Other names: c.127_131del, p.Glu43fs (NM_000056.5, NM_001424035.1, NM_001424036.1 and 8 more transcripts); c.-38_-34del (NM_001424043.1); c.-15+137_-15+141del (NM_001318975.1); short protein forms E43fs.
Identifiers: ClinVar variation 5011443 (VCV005011443.1).

ClinVar aggregate classification (germline): Pathogenic (1 of 4 stars; one submission).

Conditions:
Maple syrup urine disease type 1B (MSUD1B). Also called: MSUD type IB; MSUD type 3 (formerly); MSUD due to deficiency of e1-beta subunit of branched-chain alpha-keto acid dehydrogenase complex. Identifiers: MedGen C2930990, MONDO:0023692, OMIM 620698.

Submission:

Myriad Genetics, Inc.
Classification: Pathogenic for Maple syrup urine disease type 1B. Last evaluated: 2023-08-22. Review status: criteria provided, single submitter. Criteria: Myriad Autosomal Dominant, Autosomal Recessive and X-Linked Classification Criteria (2023). Collection method: clinical testing. Allele origin: unknown.
Comment: NM_183050.2(BCKDHB):c.127_131del5(E43Cfs*39) is expected to be pathogenic in the context of maple syrup urine disease type Ib. This variant is predicted to lead to an abnormal or absent protein product due to the creation of a premature termination codon in BCKDHB, a gene where loss-of-function variants are known to be pathogenic. Please note: this variant was assessed in the context of healthy population screening.